The following is an entry in ClinVar:

ClinVar aggregate classification (germline): Uncertain significance (1 of 4 stars; one submission).

Allele frequency attached by ClinVar (database versions not stated): gnomAD 0.00005; gnomAD exomes 0.00006; TOPMed 0.00006; ExAC 0.00009.
gnomAD v4.1: 89 of 1,551,480 alleles (0.0057%); highest among the groups gnomAD compares: Middle Eastern, 0.033%; no homozygotes.

Submission:

GeneDx
Classification: Uncertain significance. Last evaluated: 2023-04-10. Review status: criteria provided, single submitter. Criteria: GeneDx Variant Classification Process June 2021. Collection method: clinical testing. Allele origin: germline. Affected: yes.
Comment: Has not been previously published as pathogenic or benign to our knowledge; In silico analysis suggests this variant may impact gene splicing. In the absence of RNA/functional studies, the actual effect of this sequence change is unknown.

NM_173348.2(FAM149B1):c.234C>T (p.Gly78=)

Gene: FAM149B1 (family with sequence similarity 149 member B1; plus strand). Cytogenetic location: 10q22.2.
Variant type: single nucleotide variant.
Coding change: c.234C>T on transcript NM_173348.2 (MANE Select); coding-DNA position 234, C replaced by T.
Protein change: p.Gly78=; no amino-acid change (glycine 78 retained).
Molecular consequence: synonymous variant.
Genome position (GRCh38, 1-based): chr10:73,177,927, C>T. VCF-style: chr10-73177927-C-T. GRCh37 (hg19) VCF-style: chr10-74937685-C-T.
Identifiers: ClinVar variation 2662532 (VCV002662532.1), dbSNP rs775960643, ClinGen allele CA5552828.